The following is an entry in ClinVar:

NM_002693.3(POLG):c.2766G>C (p.Gln922His)

Gene: POLG (DNA polymerase gamma, catalytic subunit; minus strand). Cytogenetic location: 15q26.1.
Variant type: single nucleotide variant.
Coding change: c.2766G>C on transcript NM_002693.3 (MANE Select); coding-DNA position 2766, G replaced by C.
Protein change: p.Gln922His; replaces glutamine 922 with histidine.
Molecular consequence: missense variant.
Genome position (GRCh38, 1-based): chr15:89,320,981, C>G on the plus strand (G>C on the coding strand, the complement: POLG is on the minus strand). VCF-style: chr15-89320981-C-G. GRCh37 (hg19) VCF-style: chr15-89864212-C-G.
Other names: c.2766G>C, p.Gln922His (NM_001126131.2); short protein forms Q922H.
Identifiers: ClinVar variation 3899273 (VCV003899273.1).

ClinVar aggregate classification (germline): Uncertain significance (1 of 4 stars; one submission).

Conditions:
Progressive external ophthalmoplegia with mitochondrial DNA deletions, autosomal dominant 1 (PEOA1). Also called: PROGRESSIVE EXTERNAL OPHTHALMOPLEGIA, AUTOSOMAL DOMINANT 1; Autosomal Dominant Progressive External Ophthalmoplegia (adPEO). Identifiers: MedGen C1834846, MONDO:0024528, OMIM 157640.

Submission:

Department of Clinical Genetics, Copenhagen University Hospital, Rigshospitalet
Classification: Uncertain significance for Progressive external ophthalmoplegia with mitochondrial DNA deletions, autosomal dominant 1. Last evaluated: 2024-10-08. Review status: criteria provided, single submitter. Criteria: ACMG Guidelines, 2015. Collection method: clinical testing. Allele origin: germline.
Comment: PM2_M, PM6_Sup, PP3_Sup